The following is an entry in ClinVar:

NM_133636.5(HELQ):c.2115T>G (p.Ile705Met)

Gene: HELQ (helicase, POLQ like; minus strand). Cytogenetic location: 4q21.23.
Variant type: single nucleotide variant.
Coding change: c.2115T>G on transcript NM_133636.5 (MANE Select); coding-DNA position 2115, T replaced by G.
Protein change: p.Ile705Met; replaces isoleucine 705 with methionine.
Molecular consequence: missense variant.
Genome position (GRCh38, 1-based): chr4:83,432,201, A>C on the plus strand (T>G on the coding strand, the complement: HELQ is on the minus strand). VCF-style: chr4-83432201-A-C. GRCh37 (hg19) VCF-style: chr4-84353354-A-C.
Other names: c.2115T>G (NM_133636.2); c.1914T>G, p.Ile638Met (NM_001297755.2); c.624T>G, p.Ile208Met (NM_001297756.2); c.483T>G, p.Ile161Met (NM_001297757.2); short protein forms I161M, I208M, I638M, I705M.
Identifiers: ClinVar variation 3034565 (VCV003034565.3), dbSNP rs148390983, ClinGen allele CA2989559.
Genomic context (GRCh38, chr4:83,432,201, plus strand): 5'-TTCTTGCAATATGAGGATACTCTCCCCAATAGTATCTATTCCAGCACGACCAGCTCTGCC[A>C]ATCATCTGTTTATATTGATTCCTCTTTAAAAATTCCTTAGCAACATAGGGAGCTCTTAAA-3'
Protein context (NP_598375.3, residues 695-715): FLKRNQYKQM[Ile705Met]GRAGRAGIDT

ClinVar aggregate classification (germline): Uncertain significance. Review status: criteria provided, single submitter (1 of 4 stars). 2 submissions from 2 submitters: Uncertain significance (1). 1 of the submissions does not count toward it. Last evaluated 2025-08-04.

Conditions:
HELQ-related disorder. Also called: HELQ-related condition.

Allele frequency attached by ClinVar (database versions not stated): gnomAD exomes 0.00008; ExAC 0.00035; 1000 Genomes Project 30x 0.00047; 1000 Genomes Project 0.00060; gnomAD 0.00086; TOPMed 0.00091; ESP Exome Variant Server 0.00131.

Submissions (2):

Ambry Genetics
Classification: Uncertain significance. Last evaluated: 2025-08-04. Review status: criteria provided, single submitter. Criteria: Ambry Variant Classification Scheme 2023. Collection method: clinical testing. Allele origin: germline.

PreventionGenetics, part of Exact Sciences
Classification: Likely benign for HELQ-related condition. Last evaluated: 2019-10-25. Review status: no assertion criteria provided. Collection method: clinical testing. Allele origin: germline. Not counted in ClinVar's aggregate classification.
Comment: This variant is classified as likely benign based on ACMG/AMP sequence variant interpretation guidelines (Richards et al. 2015 PMID: 25741868, with internal and published modifications).